The following is an entry in ClinVar:

NM_001379180.1(ESRRB):c.*1534C>T

Gene: ESRRB (estrogen related receptor beta; plus strand). Cytogenetic location: 14q24.3.
Variant type: single nucleotide variant.
Coding change: c.*1534C>T on transcript NM_001379180.1 (MANE Select); 1534 bases downstream of the stop codon, C replaced by T.
Molecular consequence: 3 prime UTR variant. On other transcripts: missense variant (1).
Genome position (GRCh38, 1-based): chr14:76,499,992, C>T. VCF-style: chr14-76499992-C-T. GRCh37 (hg19) VCF-style: chr14-76966335-C-T.
Other names: c.1426C>T, p.Arg476Cys (NM_004452.4); short protein forms R476C.
Identifiers: ClinVar variation 1193344 (VCV001193344.6), dbSNP rs754534352, ClinGen allele CA7281902.

ClinVar aggregate classification (germline): Uncertain significance. Review status: criteria provided, multiple submitters, no conflicts (2 of 4 stars). 2 submissions from 2 submitters: Uncertain significance (2). Last evaluated 2024-12-10.

Allele frequency attached by ClinVar (database versions not stated): gnomAD 0.00005 and 0.00006; TOPMed 0.00006; ExAC 0.00007.

Submissions (2):

GeneDx
Classification: Uncertain significance. Last evaluated: 2024-12-10. Review status: criteria provided, single submitter. Criteria: GeneDx Variant Classification Process June 2021. Collection method: clinical testing. Allele origin: germline. Affected: yes.
Comment: In silico analysis indicates that this missense variant does not alter protein structure/function; Has not been previously published as pathogenic or benign to our knowledge

Labcorp Genetics (formerly Invitae), Labcorp
Classification: Uncertain significance. Last evaluated: 2022-05-21. Review status: criteria provided, single submitter. Criteria: Invitae Variant Classification Sherloc (09022015). Collection method: clinical testing. Allele origin: germline.
Comment: This sequence change replaces arginine, which is basic and polar, with cysteine, which is neutral and slightly polar, at codon 476 of the ESRRB protein (p.Arg476Cys). This variant is present in population databases (rs754534352, gnomAD 0.05%). This variant has not been reported in the literature in individuals affected with ESRRB-related conditions. ClinVar contains an entry for this variant (Variation ID: 1193344). Algorithms developed to predict the effect of missense changes on protein structure and function output the following: SIFT: "Tolerated"; PolyPhen-2: "Benign"; Align-GVGD: "Class C0". The cysteine amino acid residue is found in multiple mammalian species, which suggests that this missense change does not adversely affect protein function. In summary, the available evidence is currently insufficient to determine the role of this variant in disease. Therefore, it has been classified as a Variant of Uncertain Significance.